The following is an entry in ClinVar:

NM_001127222.2(CACNA1A):c.5134-20G>A

Gene: CACNA1A (calcium voltage-gated channel subunit alpha1 A; minus strand). Cytogenetic location: 19p13.13.
Variant type: single nucleotide variant.
Coding change: c.5134-20G>A on transcript NM_001127222.2 (MANE Select); 20 bases into the intron before coding-DNA position 5134, G replaced by A.
Molecular consequence: intron variant.
Genome position (GRCh38, 1-based): chr19:13,235,056, C>T on the plus strand (G>A on the coding strand, the complement: CACNA1A is on the minus strand). VCF-style: chr19-13235056-C-T. GRCh37 (hg19) VCF-style: chr19-13345870-C-T.
Other names: c.5137-20G>A (NM_001127221.2); c.5143-20G>A (NM_001174080.2); c.5152-20G>A (NM_000068.4, NM_023035.3).
Identifiers: ClinVar variation 388046 (VCV000388046.9), dbSNP rs756590078, ClinGen allele CA9239816.

ClinVar aggregate classification (germline): Likely benign. Review status: criteria provided, multiple submitters, no conflicts (2 of 4 stars). 2 submissions from 2 submitters: Likely benign (2). Last evaluated 2025-11-23.

Conditions:
Episodic ataxia type 2 (EA2). Also called: ATAXIA, EPISODIC, WITH NYSTAGMUS; ATAXIA, FAMILIAL PAROXYSMAL; CEREBELLAR ATAXIA, PAROXYSMAL, ACETAZOLAMIDE-RESPONSIVE; CEREBELLOPATHY, HEREDITARY PAROXYSMAL; ACETAZOLAMIDE-RESPONSIVE HEREDITARY PAROXYSMAL CEREBELLAR ATAXIA; EPISODIC ATAXIA, NYSTAGMUS-ASSOCIATED. Identifiers: Orphanet 97, MedGen C1720416, MONDO:0007163, OMIM 108500.
Developmental and epileptic encephalopathy, 42 (DEE42A). Also called: DEVELOPMENTAL AND EPILEPTIC ENCEPHALOPATHY 42A; EPILEPTIC ENCEPHALOPATHY, EARLY INFANTILE, 42A; Epileptic encephalopathy, early infantile, 42. Identifiers: MedGen C4310716, MONDO:0014917, OMIM 617106.

Allele frequency attached by ClinVar (database versions not stated): gnomAD exomes 0.00001; ExAC 0.00002; TOPMed 0.00006; gnomAD 0.00008 and 0.00009.
gnomAD v4.1: 23 of 1,580,966 alleles (0.0015%); highest among the groups gnomAD compares: African/African-American, 0.016%; no homozygotes.

Submissions (2):

Labcorp Genetics (formerly Invitae), Labcorp
Classification: Likely benign for Developmental and epileptic encephalopathy, 42; Episodic ataxia type 2. Last evaluated: 2025-11-23. Review status: criteria provided, single submitter. Criteria: Invitae Variant Classification Sherloc (09022015). Collection method: clinical testing. Allele origin: germline.

GeneDx
Classification: Likely benign. Last evaluated: 2016-07-26. Review status: criteria provided, single submitter. Criteria: GeneDx Variant Classification (06012015). Collection method: clinical testing. Allele origin: germline. Affected: yes.
Comment: This variant is considered likely benign or benign based on one or more of the following criteria: it is a conservative change, it occurs at a poorly conserved position in the protein, it is predicted to be benign by multiple in silico algorithms, and/or has population frequency not consistent with disease.